The following is an entry in ClinVar:

NM_000400.4(ERCC2):c.1293del (p.Ile432fs)

Gene: ERCC2 (ERCC excision repair 2, TFIIH core complex helicase subunit; minus strand). Cytogenetic location: 19q13.32.
Variant type: Deletion.
Coding change: c.1293del on transcript NM_000400.4 (MANE Select); coding-DNA position 1293, one base deleted (C; older notation c.1293delC).
Protein change: p.Ile432fs; shifts the reading frame from isoleucine 432.
Molecular consequence: frameshift variant.
Genome position (GRCh38, 1-based): chr19:45,357,644, G deleted on the plus strand (C on the coding strand, the reverse complement: ERCC2 is on the minus strand); the first of 4 consecutive G bases (chr19:45,357,644-45,357,647); deleting any one gives the same sequence. VCF-style (leftmost placement, unchanged base first): chr19-45357643-TG-T. GRCh37 (hg19) VCF-style: chr19-45860901-TG-T.
Other names: short protein forms I432fs.
Identifiers: ClinVar variation 2825298 (VCV002825298.3), dbSNP rs1266915084, ClinGen allele CA2739276858.
Genomic context (GRCh38, chr19:45,357,643, plus strand): 5'-GCCCCCGACCCACAGAGCATTCACACCCTCACCGGGCAGGGTCCCACCTGAAGTGCAGGA[TG>T]GGGTTGGCAATGGTCGGGGTTCTGTCGTCAAAGGGCTCGATGATGATGGTGAAGCCTGCA-3'

ClinVar aggregate classification (germline): Pathogenic (1 of 4 stars; one submission).

Submission:

Labcorp Genetics (formerly Invitae), Labcorp
Classification: Pathogenic. Last evaluated: 2022-12-31. Review status: criteria provided, single submitter. Criteria: Invitae Variant Classification Sherloc (09022015). Collection method: clinical testing. Allele origin: germline.
Comment: For these reasons, this variant has been classified as Pathogenic. This variant has not been reported in the literature in individuals affected with ERCC2-related conditions. This variant is not present in population databases (gnomAD no frequency). This sequence change creates a premature translational stop signal (p.Ile432Serfs*52) in the ERCC2 gene. It is expected to result in an absent or disrupted protein product. Loss-of-function variants in ERCC2 are known to be pathogenic (PMID: 9238033, 11335038, 19085937, 19934020).

Literature cited by the submitters: PubMed 9238033; PubMed 11335038; PubMed 19085937; PubMed 19934020.